The following is an entry in ClinVar:

NM_000535.7(PMS2):c.2569G>T (p.Gly857Cys)

Gene: PMS2 (PMS1 homolog 2, mismatch repair system component; minus strand). Cytogenetic location: 7p22.1.
Variant type: single nucleotide variant.
Coding change: c.2569G>T on transcript NM_000535.7 (MANE Select); coding-DNA position 2569, G replaced by T.
Protein change: p.Gly857Cys; replaces glycine 857 with cysteine.
Molecular consequence: missense variant. On other transcripts: non-coding transcript variant (1).
Genome position (GRCh38, 1-based): chr7:5,973,419, C>A on the plus strand (G>T on the coding strand, the complement: PMS2 is on the minus strand). VCF-style: chr7-5973419-C-A. GRCh37 (hg19) VCF-style: chr7-6013050-C-A.
Other names: c.2164G>T, p.Gly722Cys (NM_001018040.1, NM_001322003.2, NM_001322004.2 and 12 more transcripts); c.2413G>T, p.Gly805Cys (NM_001322006.2); c.2251G>T, p.Gly751Cys (NM_001322007.2, NM_001322008.2, NM_001406883.1); c.2197G>T, p.Gly733Cys (NM_001322009.2, NM_001406887.1, NM_001406888.1); c.2008G>T, p.Gly670Cys (NM_001322010.2, NM_001406906.1, NM_001406907.1); c.1636G>T, p.Gly546Cys (NM_001322011.2, NM_001322012.2); c.1996G>T, p.Gly666Cys (NM_001322013.2, NM_001406908.1, NM_001406909.1); c.2602G>T, p.Gly868Cys (NM_001322014.2); and 20 more; short protein forms G695C, G699C, G702C, G722C, G751C, G762C, G765C, G865C.
Identifiers: ClinVar variation 1793202 (VCV001793202.2), dbSNP rs750820328, ClinGen allele CA366734747.

ClinVar aggregate classification (germline): Uncertain significance (1 of 4 stars; one submission).

Conditions:
Hereditary cancer-predisposing syndrome. Also called: Tumor predisposition; Hereditary Cancer Syndrome; Neoplastic Syndromes, Hereditary; Hereditary neoplastic syndrome. Identifiers: Orphanet 140162, MedGen C0027672, MeSH D009386, MONDO:0015356.

Submission:

Ambry Genetics
Classification: Uncertain significance for Hereditary cancer-predisposing syndrome. Last evaluated: 2022-05-02. Review status: criteria provided, single submitter. Criteria: Ambry Variant Classification Scheme 2023. Collection method: clinical testing. Allele origin: germline.
Comment: The p.G857C variant (also known as c.2569G>T), located in coding exon 15 of the PMS2 gene, results from a G to T substitution at nucleotide position 2569. The glycine at codon 857 is replaced by cysteine, an amino acid with highly dissimilar properties. This amino acid position is conserved. In addition, this alteration is predicted to be tolerated by in silico analysis. Since supporting evidence is limited at this time, the clinical significance of this alteration remains unclear.